The following is an entry in ClinVar:

ClinVar aggregate classification (germline): Uncertain significance (1 of 4 stars; one submission).

Conditions:
Primary dilated cardiomyopathy (DCM). Also called: Dilated Cardiomyopathy. Identifiers: Orphanet 217604, MedGen C0007193, MeSH D002311, MONDO:0005021, HP:0001644. Inheritance: Various modes of inheritance.

Submission:

All of Us Research Program, National Institutes of Health
Classification: Uncertain significance for Primary dilated cardiomyopathy. Last evaluated: 2023-11-20. Review status: criteria provided, single submitter. Criteria: ACMG Guidelines, 2015. Collection method: clinical testing. Allele origin: germline. Inheritance: Autosomal dominant inheritance. Observed: 1 variant allele, 1 heterozygote.
Comment: This missense variant replaces serine with glycine at codon 657 of the LMNA protein. Computational prediction suggests that this variant may not impact protein structure and function (internally defined REVEL score threshold <= 0.5, PMID: 27666373). To our knowledge, functional studies have not been reported for this variant. This variant has not been reported in individuals affected with LMNA-related disorders in the literature. This variant has not been identified in the general population by the Genome Aggregation Database (gnomAD). The available evidence is insufficient to determine the role of this variant in disease conclusively. Therefore, this variant is classified as a Variant of Uncertain Significance.

This study involves interpretation of variants in research participants for the purpose of population health screening. Participant phenotype was not available at the time of variant classification. Additional details can be found in publication PMID: 35346344, PMCID: PMC8962531

NM_170707.4(LMNA):c.1969A>G (p.Ser657Gly)

Gene: LMNA (lamin A/C; plus strand). Cytogenetic location: 1q22.
Variant type: single nucleotide variant.
Coding change: c.1969A>G on transcript NM_170707.4 (MANE Select); coding-DNA position 1969, A replaced by G.
Protein change: p.Ser657Gly; replaces serine 657 with glycine.
Molecular consequence: missense variant.
Genome position (GRCh38, 1-based): chr1:156,139,080, A>G. VCF-style: chr1-156139080-A-G. GRCh37 (hg19) VCF-style: chr1-156108871-A-G.
Other names: c.1633A>G, p.Ser545Gly (NM_001257374.3, NM_001406989.1); c.1819A>G, p.Ser607Gly (NM_001282626.2); c.1969A>G, p.Ser657Gly (NM_001406983.1, NM_001406985.1, NM_001406991.1); c.1726A>G, p.Ser576Gly (NM_001406986.1, NM_001406987.1); c.1672A>G, p.Ser558Gly (NM_001406988.1); c.1411A>G, p.Ser471Gly (NM_001406990.1, NM_001406993.1, NM_001406995.1 and 2 more transcripts); c.1345A>G, p.Ser449Gly (NM_001406994.1, NM_001406999.1, NM_001407000.1 and 1 more transcripts); c.1879A>G, p.Ser627Gly (NM_170708.4); short protein forms S449G, S471G, S545G, S558G, S576G, S607G, S627G, S657G.
Identifiers: ClinVar variation 3074529 (VCV003074529.1), dbSNP rs2528034389, ClinGen allele CA342828476.